The following is an entry in ClinVar:

ClinVar aggregate classification (germline): Pathogenic (1 of 4 stars; one submission).

Conditions:
Primary ciliary dyskinesia. Also called: Ciliary dyskinesia. Identifiers: Orphanet 244, MedGen C0008780, MONDO:0016575, HP:0012265.

Submission:

Labcorp Genetics (formerly Invitae), Labcorp
Classification: Pathogenic for Primary ciliary dyskinesia. Last evaluated: 2022-09-20. Review status: criteria provided, single submitter. Criteria: Invitae Variant Classification Sherloc (09022015). Collection method: clinical testing. Allele origin: germline.
Comment: For these reasons, this variant has been classified as Pathogenic. Disruption of this splice site has been observed in individual(s) with clinical features of primary ciliary dyskinesia (Invitae). Algorithms developed to predict the effect of sequence changes on RNA splicing suggest that this variant may disrupt the consensus splice site. This sequence change affects an acceptor splice site in intron 63 of the DNAH11 gene. It is expected to disrupt RNA splicing. Variants that disrupt the donor or acceptor splice site typically lead to a loss of protein function (PMID: 16199547), and loss-of-function variants in DNAH11 are known to be pathogenic (PMID: 18022865, 20513915, 22184204). This variant is not present in population databases (gnomAD no frequency).

Literature cited by the submitters: PubMed 16199547; PubMed 18022865; PubMed 20513915; PubMed 22184204.

NM_001277115.2(DNAH11):c.10333-1G>A

Gene: DNAH11 (dynein axonemal heavy chain 11; plus strand). Cytogenetic location: 7p15.3.
Variant type: single nucleotide variant.
Coding change: c.10333-1G>A on transcript NM_001277115.2 (MANE Select); the canonical splice acceptor site of the intron before coding-DNA position 10333, G replaced by A.
Molecular consequence: splice acceptor variant.
Genome position (GRCh38, 1-based): chr7:21,816,466, G>A. VCF-style: chr7-21816466-G-A. GRCh37 (hg19) VCF-style: chr7-21856084-G-A.
Identifiers: ClinVar variation 1907578 (VCV001907578.5), dbSNP rs769279343, ClinGen allele CA366947956.